The following is an entry in ClinVar:

ClinVar aggregate classification (germline): Uncertain significance (1 of 4 stars; one submission).

Submission:

Labcorp Genetics (formerly Invitae), Labcorp
Classification: Uncertain significance. Last evaluated: 2023-08-04. Review status: criteria provided, single submitter. Criteria: Invitae Variant Classification Sherloc (09022015). Collection method: clinical testing. Allele origin: germline.
Comment: In summary, the available evidence is currently insufficient to determine the role of this variant in disease. Therefore, it has been classified as a Variant of Uncertain Significance. Experimental studies and prediction algorithms are not available or were not evaluated, and the functional significance of this variant is currently unknown. This variant has not been reported in the literature in individuals affected with TRAP1-related conditions. This variant is a gross deletion of the genomic region encompassing exon(s) 5-8 of the TRAP1 gene. This variant would be expected to be in-frame, preserving the integrity of the reading frame.

NC_000016.9:g.(?_3725305)_(3729811_?)del

Gene: TRAP1 (TNF receptor associated protein 1; minus strand). Cytogenetic location: 16p13.3.
Variant type: Deletion.
Identifiers: ClinVar variation 2426289 (VCV002426289.4).